The following is an entry in ClinVar:

ClinVar aggregate classification (germline): Uncertain significance. Review status: criteria provided, multiple submitters, no conflicts (2 of 4 stars). 2 submissions from 2 submitters: Uncertain significance (2). Last evaluated 2022-07-14.

Conditions:
Ehlers-Danlos syndrome, spondylodysplastic type, 2 (EDSSPD2). Also called: Ehlers-Danlos syndrome, progeroid type, 2. Identifiers: Orphanet 536467, Orphanet 75496, MedGen C3809210, MONDO:0014139, OMIM 615349.
Spondyloepimetaphyseal dysplasia with joint laxity (SEMDJL). Identifiers: MedGen C0432243, MONDO:0019675.

Allele frequency attached by ClinVar (database versions not stated): gnomAD 0.00001 and 0.00004; gnomAD exomes 0.00003; TOPMed 0.00004.

Submissions (2):

GeneDx
Classification: Uncertain significance. Last evaluated: 2022-07-14. Review status: criteria provided, single submitter. Criteria: GeneDx Variant Classification Process June 2021. Collection method: clinical testing. Allele origin: germline. Affected: yes.
Comment: Has not been previously published as pathogenic or benign to our knowledge; Not observed at significant frequency in large population cohorts (gnomAD); In silico analysis supports that this missense variant does not alter protein structure/function

Labcorp Genetics (formerly Invitae), Labcorp
Classification: Uncertain significance for Ehlers-Danlos syndrome, spondylodysplastic type, 2; Spondyloepimetaphyseal dysplasia with joint laxity. Last evaluated: 2021-08-27. Review status: criteria provided, single submitter. Criteria: Invitae Variant Classification Sherloc (09022015). Collection method: clinical testing. Allele origin: germline.
Comment: This sequence change replaces tryptophan with cysteine at codon 91 of the B3GALT6 protein (p.Trp91Cys). The tryptophan residue is moderately conserved and there is a large physicochemical difference between tryptophan and cysteine. The frequency data for this variant in the population databases is considered unreliable, as metrics indicate insufficient coverage at this position in the ExAC database. This variant has not been reported in the literature in individuals affected with B3GALT6-related conditions. Algorithms developed to predict the effect of missense changes on protein structure and function are either unavailable or do not agree on the potential impact of this missense change (SIFT: "Deleterious"; PolyPhen-2: "Possibly Damaging"; Align-GVGD: "Class C0"). In summary, the available evidence is currently insufficient to determine the role of this variant in disease. Therefore, it has been classified as a Variant of Uncertain Significance.

NM_080605.4(B3GALT6):c.273G>C (p.Trp91Cys)

Gene: B3GALT6 (beta-1,3-galactosyltransferase 6; plus strand). Cytogenetic location: 1p36.33.
Variant type: single nucleotide variant.
Coding change: c.273G>C on transcript NM_080605.4 (MANE Select); coding-DNA position 273, G replaced by C.
Protein change: p.Trp91Cys; replaces tryptophan 91 with cysteine.
Molecular consequence: missense variant.
Genome position (GRCh38, 1-based): chr1:1,232,551, G>C. VCF-style: chr1-1232551-G-C. GRCh37 (hg19) VCF-style: chr1-1167931-G-C.
Other names: short protein forms W91C.
Identifiers: ClinVar variation 1204929 (VCV001204929.9), dbSNP rs924068844, ClinGen allele CA16755168.